The following is an entry in ClinVar:

ClinVar aggregate classification (germline): Conflicting classifications of pathogenicity. Review status: criteria provided, conflicting classifications (1 of 4 stars). 5 submissions from 5 submitters: Uncertain significance (3); Likely benign (1). 1 of the submissions does not count toward it. Last evaluated 2025-08-07.

Conditions:
Hereditary cancer-predisposing syndrome. Also called: Neoplastic Syndromes, Hereditary; Tumor predisposition; Hereditary neoplastic syndrome; Hereditary Cancer Syndrome. Identifiers: Orphanet 140162, MedGen C0027672, MeSH D009386, MONDO:0015356.
Hereditary breast ovarian cancer syndrome. Also called: Hereditary breast and ovarian cancer syndrome; Hereditary breast and ovarian cancer; Hereditary breast and ovarian cancer syndrome (HBOC); Breast and ovarian cancer; Hereditary breast and/or ovarian cancer syndrome; BRCA1- and BRCA2-Associated Hereditary Breast and Ovarian Cancer. Identifiers: Orphanet 145, MedGen C0677776, MeSH D061325, MONDO:0003582. Disease mechanism: loss of function.
Breast-ovarian cancer, familial, susceptibility to, 2 (BROVCA2). Also called: BRCA2 Hereditary Breast and Ovarian Cancer. Identifiers: Orphanet 145, MedGen C2675520, MONDO:0012933, OMIM 612555. Disease mechanism: loss of function.

Allele frequency attached by ClinVar (database versions not stated): gnomAD exomes below 0.00001 and 0.00001; gnomAD 0.00001; TOPMed 0.00001.
gnomAD v4.1: 6 of 1,603,288 alleles (0.00037%); highest among the groups gnomAD compares: South Asian, 0.0011%; no homozygotes.

Submissions (5):

Labcorp Genetics (formerly Invitae), Labcorp
Classification: Uncertain significance for Hereditary breast ovarian cancer syndrome. Last evaluated: 2025-08-07. Review status: criteria provided, single submitter. Criteria: Invitae Variant Classification Sherloc (09022015). Collection method: clinical testing. Allele origin: germline.
Comment: This sequence change replaces threonine, which is neutral and polar, with alanine, which is neutral and non-polar, at codon 207 of the BRCA2 protein (p.Thr207Ala). This variant is present in population databases (rs80358858, gnomAD 0.002%). This variant has not been reported in the literature in individuals affected with BRCA2-related conditions. ClinVar contains an entry for this variant (Variation ID: 52028). Invitae Evidence Modeling of protein sequence and biophysical properties (such as structural, functional, and spatial information, amino acid conservation, physicochemical variation, residue mobility, and thermodynamic stability) indicates that this missense variant is not expected to disrupt BRCA2 protein function with a negative predictive value of 95%. Experimental studies have shown that this missense change affects BRCA2 function (PMID: 32286328). In summary, the available evidence is currently insufficient to determine the role of this variant in disease. Therefore, it has been classified as a Variant of Uncertain Significance.

Myriad Genetics, Inc.
Classification: Likely benign for Breast-ovarian cancer, familial, susceptibility to, 2. Last evaluated: 2025-08-06. Review status: criteria provided, single submitter. Criteria: Myriad Autosomal Dominant, Autosomal Recessive and X-Linked Classification Criteria (2023). Collection method: clinical testing. Allele origin: unknown.
Comment: This variant is considered likely benign. This variant is strongly associated with less severe personal and family histories of cancer, typical for individuals without pathogenic variants in this gene [PMID: 25085752].

Ambry Genetics
Classification: Uncertain significance for Hereditary cancer-predisposing syndrome. Last evaluated: 2024-01-17. Review status: criteria provided, single submitter. Criteria: Ambry Variant Classification Scheme 2023. Collection method: clinical testing. Allele origin: germline.
Comment: The p.T207A variant (also known as c.619A>G), located in coding exon 6 of the BRCA2 gene, results from an A to G substitution at nucleotide position 619. The threonine at codon 207 is replaced by alanine, an amino acid with similar properties. The threonine residue at codon 207 is an established phosphorylation site and substitutions at this position are expected to disrupt normal kinase binding (Tram E et al. PLoS ONE 2013;8(5):e62468; Ehl&eacute;n &Aring; et al. Nat Commun, 2020 04;11:1819); however, the implications for disease risk are unclear. This amino acid position is highly conserved in available vertebrate species. In addition, this alteration is predicted to be tolerated by in silico analysis. Since supporting evidence is limited at this time, the clinical significance of this alteration remains unclear.

Women's Health and Genetics/Laboratory Corporation of America, LabCorp
Classification: Uncertain significance. Last evaluated: 2023-08-28. Review status: criteria provided, single submitter. Criteria: LabCorp Variant Classification Summary - May 2015. Collection method: clinical testing. Allele origin: germline.
Comment: Variant summary: BRCA2 c.619A>G (p.Thr207Ala) results in a non-conservative amino acid change in the encoded protein sequence. Four of five in-silico tools predict a damaging effect of the variant on protein function. The variant allele was found at a frequency of 8e-06 in 251296 control chromosomes (gnomAD). The available data on variant occurrences in the general population are insufficient to allow any conclusion about variant significance. c.619A>G has been reported in the literature in individuals affected with Breast Cancer (e.g. Davies_2018, Dorling_2021) and Esophageal Cancer (Ko_2020). These reports do not provide unequivocal conclusions about association of the variant with Hereditary Breast And Ovarian Cancer Syndrome. Experimental results indicate the variant has no impact on normal splicing (Di Giacomo_2013, Sanz_2010, Soukarieh_2016). Other functional studies examining the effects of the variant on protein function showed that the T207 residue is a substrate of Plk1 and is phosphorylated on an M phase specific manner, which may impair normal mitosis (Lin_2003, Ehlen_2020). Another functional study (Mondal_2012) showed that the variant does not impair the recruitment of Alix and Tsg101 to the midbody and formation of CEP55-Alix and CEP55-Tsg101 complexes during cytokinesis. Another study showed that the variant impairs the interaction of DDX5 with BRCA2 (Sessa_2021). The following publications have been ascertained in the context of this evaluation (PMID: 20215541, 17899372, 23704879, 23983145, 22771033, 12815053, 22908307, 18307534, 26761715, 28288110, 32286328, 31396961, 34359619, 33471991). Two ClinVar submitters have assessed the variant since 2014, and both submitters classified the variant as uncertain significance. Based on the evidence outlined above, the variant was classified as uncertain significance.

Breast Cancer Information Core (BIC) (BRCA2)
Classification: Uncertain significance for Breast-ovarian cancer, familial 2. Last evaluated: 2002-05-29. Review status: no assertion criteria provided. Collection method: clinical testing. Allele origin: germline. Affected: yes. Observed: 2 variant alleles. Not counted in ClinVar's aggregate classification.

Literature cited by the submitters: PubMed 32286328 (cited by 3 submitters); PubMed 25085752 (cited by Myriad Genetics, Inc.); PubMed 17899372 (cited by Ambry Genetics and Women's Health and Genetics/Laboratory Corporation of America, LabCorp); PubMed 23704879 (cited by Ambry Genetics and Women's Health and Genetics/Laboratory Corporation of America, LabCorp); PubMed 23983145 (cited by Ambry Genetics and Women's Health and Genetics/Laboratory Corporation of America, LabCorp); PubMed 20215541 (cited by Women's Health and Genetics/Laboratory Corporation of America, LabCorp); PubMed 22771033 (cited by Women's Health and Genetics/Laboratory Corporation of America, LabCorp); PubMed 12815053 (cited by Women's Health and Genetics/Laboratory Corporation of America, LabCorp); PubMed 22908307 (cited by Women's Health and Genetics/Laboratory Corporation of America, LabCorp); PubMed 18307534 (cited by Women's Health and Genetics/Laboratory Corporation of America, LabCorp); PubMed 26761715 (cited by Women's Health and Genetics/Laboratory Corporation of America, LabCorp); PubMed 28288110 (cited by Women's Health and Genetics/Laboratory Corporation of America, LabCorp); PubMed 31396961 (cited by Women's Health and Genetics/Laboratory Corporation of America, LabCorp); PubMed 33471991 (cited by Women's Health and Genetics/Laboratory Corporation of America, LabCorp); PubMed 34359619 (cited by Women's Health and Genetics/Laboratory Corporation of America, LabCorp).

NM_000059.4(BRCA2):c.619A>G (p.Thr207Ala)

Gene: BRCA2 (BRCA2 DNA repair associated; plus strand). Cytogenetic location: 13q13.1.
Variant type: single nucleotide variant.
Coding change: c.619A>G on transcript NM_000059.4 (MANE Select); coding-DNA position 619, A replaced by G.
Protein change: p.Thr207Ala; replaces threonine 207 with alanine.
Molecular consequence: missense variant.
Genome position (GRCh38, 1-based): chr13:32,326,601, A>G. VCF-style: chr13-32326601-A-G. GRCh37 (hg19) VCF-style: chr13-32900738-A-G.
Other names: short protein forms T207A.
Identifiers: ClinVar variation 52028 (VCV000052028.15), dbSNP rs80358858, ClinGen allele CA023736.